The following is an entry in ClinVar:

ClinVar aggregate classification (germline): Uncertain significance. Review status: criteria provided, multiple submitters, no conflicts (2 of 4 stars). 2 submissions from 2 submitters: Uncertain significance (2). Last evaluated 2025-02-27.

Submissions (2):

GeneDx
Classification: Uncertain significance. Last evaluated: 2025-02-27. Review status: criteria provided, single submitter. Criteria: GeneDx Variant Classification Process June 2021. Collection method: clinical testing. Allele origin: germline. Affected: yes.
Comment: Not observed at significant frequency in large population cohorts (gnomAD); In silico analysis indicates that this missense variant does not alter protein structure/function; Has not been previously published as pathogenic or benign to our knowledge

Blueprint Genetics
Classification: Uncertain significance. Last evaluated: 2020-06-10. Review status: criteria provided, single submitter. Criteria: ACMG Guidelines, 2015. Collection method: clinical testing. Allele origin: germline.

NM_000171.4(GLRA1):c.873G>A (p.Met291Ile)

Gene: GLRA1 (glycine receptor alpha 1; minus strand). Cytogenetic location: 5q33.1.
Variant type: single nucleotide variant.
Coding change: c.873G>A on transcript NM_000171.4 (MANE Select); coding-DNA position 873, G replaced by A.
Protein change: p.Met291Ile; replaces methionine 291 with isoleucine.
Molecular consequence: missense variant.
Genome position (GRCh38, 1-based): chr5:151,851,429, C>T on the plus strand (G>A on the coding strand, the complement: GLRA1 is on the minus strand). VCF-style: chr5-151851429-C-T. GRCh37 (hg19) VCF-style: chr5-151230990-C-T.
Other names: c.873G>A, p.Met291Ile (NM_001146040.2); c.624G>A, p.Met208Ile (NM_001292000.2); short protein forms M208I, M291I.
Identifiers: ClinVar variation 4077358 (VCV004077358.2).